The following is an entry in ClinVar:

ClinVar aggregate classification (germline): Pathogenic (1 of 4 stars; one submission).

Allele frequency attached by ClinVar (database versions not stated): gnomAD exomes below 0.00001; TOPMed below 0.00001; gnomAD 0.00001.
gnomAD v4.1: 2 of 1,613,970 alleles (0.00012%); highest among the groups gnomAD compares: Non-Finnish European, 0.00017%; no homozygotes.

Submission:

Labcorp Genetics (formerly Invitae), Labcorp
Classification: Pathogenic. Last evaluated: 2023-07-25. Review status: criteria provided, single submitter. Criteria: Invitae Variant Classification Sherloc (09022015). Collection method: clinical testing. Allele origin: germline.
Comment: For these reasons, this variant has been classified as Pathogenic. This variant has not been reported in the literature in individuals affected with ABCA12-related conditions. This variant is not present in population databases (gnomAD no frequency). This sequence change creates a premature translational stop signal (p.Cys1817*) in the ABCA12 gene. It is expected to result in an absent or disrupted protein product. Loss-of-function variants in ABCA12 are known to be pathogenic (PMID: 20672373).

Literature cited by the submitters: PubMed 20672373.

NM_173076.3(ABCA12):c.5451T>A (p.Cys1817Ter)

Gene: ABCA12 (ATP binding cassette subfamily A member 12; minus strand). Cytogenetic location: 2q35.
Variant type: single nucleotide variant.
Coding change: c.5451T>A on transcript NM_173076.3 (MANE Select); coding-DNA position 5451, T replaced by A.
Protein change: p.Cys1817Ter; replaces cysteine 1817 with a stop codon.
Molecular consequence: nonsense. On other transcripts: non-coding transcript variant (1).
Genome position (GRCh38, 1-based): chr2:214,974,795, A>T on the plus strand (T>A on the coding strand, the complement: ABCA12 is on the minus strand). VCF-style: chr2-214974795-A-T. GRCh37 (hg19) VCF-style: chr2-215839519-A-T.
Other names: c.4497T>A, p.Cys1499Ter (NM_015657.4); short protein forms C1817*, C1499*.
Identifiers: ClinVar variation 2746403 (VCV002746403.3), dbSNP rs1699472771, ClinGen allele CA350456287.
Genomic context (GRCh38, chr2:214,974,795, plus strand): 5'-TGGAATGCTGAAAACAAAAAATAGAAGAGCAAGAACCACTTACAGATCACTGGTGTTCAG[A>T]CACATGTTGTCAATTCCAGGGAAGTCCCACATTGCTGAGACAAGTGCTTCCGTGCTCGGG-3'